The following is an entry in ClinVar:

NM_001010867.4(IBA57):c.481G>C (p.Ala161Pro)

Gene: IBA57 (iron-sulfur cluster assembly factor IBA57; plus strand). Cytogenetic location: 1q42.13.
Variant type: single nucleotide variant.
Coding change: c.481G>C on transcript NM_001010867.4 (MANE Select); coding-DNA position 481, G replaced by C.
Protein change: p.Ala161Pro; replaces alanine 161 with proline.
Molecular consequence: missense variant. On other transcripts: 5 prime UTR variant (1).
Genome position (GRCh38, 1-based): chr1:228,174,831, G>C. VCF-style: chr1-228174831-G-C. GRCh37 (hg19) VCF-style: chr1-228362532-G-C.
Other names: p.Ala161Pro; c.-99G>C (NM_001310327.2); short protein forms A161P.
Identifiers: ClinVar variation 4542324 (VCV004542324.1).
Genomic context (GRCh38, chr1:228,174,831, plus strand): 5'-GCGCTATACAGGATCCGGCGGAAGGTCACGGTGGAGCCGCACCCGGAGCTGCGAGTGTGG[G>C]CGGTGTTGCCCAGTTCCCCTGAGGCCTGCGGGGCTGCATCGCTGCAGGAGAGGGCAGGGG-3'
Protein context (NP_001010867.1, residues 151-171): VEPHPELRVW[Ala161Pro]VLPSSPEACG

ClinVar aggregate classification (germline): Uncertain significance (1 of 4 stars; one submission).

Submission:

Mayo Clinic Laboratories, Mayo Clinic
Classification: Uncertain significance. Last evaluated: 2025-10-17. Review status: criteria provided, single submitter. Criteria: ACMG Guidelines, 2015. Collection method: clinical testing. Allele origin: germline. Observed: 1 variant allele.
Comment: PP3, PM2_supporting